The following is an entry in ClinVar:

ClinVar aggregate classification (germline): Likely benign (1 of 4 stars; one submission).

Allele frequency attached by ClinVar (database versions not stated): 1000 Genomes Project 30x 0.00625; gnomAD 0.01049; TOPMed 0.00904; gnomAD exomes 0.01198; 1000 Genomes Project 0.00619.
gnomAD v4.1: 7,932 of 679,862 alleles (1.2%); highest among the groups gnomAD compares: Admixed American, 1.7%; 73 homozygotes.

Submission:

GeneDx
Classification: Likely benign. Last evaluated: 2021-05-16. Review status: criteria provided, single submitter. Criteria: GeneDx Variant Classification Process June 2021. Collection method: clinical testing. Allele origin: germline. Affected: yes.
Comment: See Variant Classification Assertion Criteria.

NM_001330568.2(USB1):c.-55-1189C>G

Genes: USB1 (U6 snRNA biogenesis phosphodiesterase 1; plus strand), LOC112469011 (Sharpr-MPRA regulatory region 3942; plus strand). Cytogenetic location: 16q21.
Variant type: single nucleotide variant.
Coding change: c.-55-1189C>G on transcript NM_001330568.2; 1189 bases into the intron before 55 bases upstream of the start codon, C replaced by G.
Molecular consequence: intron variant.
Genome position (GRCh38, 1-based): chr16:58,001,290, C>G. VCF-style: chr16-58001290-C-G. GRCh37 (hg19) VCF-style: chr16-58035194-C-G.
Identifiers: ClinVar variation 1800912 (VCV001800912.1), dbSNP rs148733454, ClinGen allele CA281629294.
Genomic context (GRCh38, chr16:58,001,290, plus strand): 5'-GAAGGCTGGGGAGGTCCCAGCGGGGTGCCGGGAGGCTGCAGGTGACCAGATCCGCGTGCG[C>G]AGCCGGCAGACAGCTTGGAGTCGGTGGGCTGAATCTTCACCACTGTCCTGCCGGGTTCCG-3'